The following is an entry in ClinVar:

NM_001369268.1(ACAN):c.827T>C (p.Leu276Pro)

Gene: ACAN (aggrecan; plus strand). Cytogenetic location: 15q26.1.
Variant type: single nucleotide variant.
Coding change: c.827T>C on transcript NM_001369268.1 (MANE Select); coding-DNA position 827, T replaced by C.
Protein change: p.Leu276Pro; replaces leucine 276 with proline.
Molecular consequence: missense variant.
Genome position (GRCh38, 1-based): chr15:88,843,424, T>C. VCF-style: chr15-88843424-T-C. GRCh37 (hg19) VCF-style: chr15-89386655-T-C.
Other names: c.827T>C, p.Leu276Pro (NM_001135.4, NM_013227.4); short protein forms L276P.
Identifiers: ClinVar variation 1482138 (VCV001482138.6), dbSNP rs2141576568, ClinGen allele CA393707538.

ClinVar aggregate classification (germline): Uncertain significance (1 of 4 stars; one submission).

Submission:

Labcorp Genetics (formerly Invitae), Labcorp
Classification: Uncertain significance. Last evaluated: 2021-08-27. Review status: criteria provided, single submitter. Criteria: Invitae Variant Classification Sherloc (09022015). Collection method: clinical testing. Allele origin: germline.
Comment: This sequence change replaces leucine with proline at codon 276 of the ACAN protein (p.Leu276Pro). The leucine residue is highly conserved and there is a moderate physicochemical difference between leucine and proline. This variant is not present in population databases (ExAC no frequency). In summary, the available evidence is currently insufficient to determine the role of this variant in disease. Therefore, it has been classified as a Variant of Uncertain Significance. Algorithms developed to predict the effect of missense changes on protein structure and function are either unavailable or do not agree on the potential impact of this missense change (SIFT: "Deleterious"; PolyPhen-2: "Not Available"; Align-GVGD: "Class C65"). This variant has not been reported in the literature in individuals affected with ACAN-related conditions.